The following is an entry in ClinVar:

ClinVar aggregate classification (germline): Benign/Likely benign. Review status: criteria provided, multiple submitters, no conflicts (2 of 4 stars). 5 submissions from 5 submitters: Benign (1); Likely benign (3). 1 of the submissions does not count toward it. Last evaluated 2026-09-01.

Conditions:
HERC1-related disorder. Also called: HERC1-related condition.

Allele frequency attached by ClinVar (database versions not stated): 1000 Genomes Project 30x 0.00234; 1000 Genomes Project 0.00240; TOPMed 0.00425; ESP Exome Variant Server 0.00466; gnomAD 0.00538 and 0.00553; gnomAD exomes 0.00626 and 0.00727; ExAC 0.00676.
gnomAD v4.1: 11,431 of 1,613,650 alleles (0.71%); highest among the groups gnomAD compares: Non-Finnish European, 0.77%; 64 homozygotes.

Submissions (5):

CeGaT Center for Human Genetics Tuebingen
Classification: Likely benign. Last evaluated: 2026-09-01. Review status: criteria provided, single submitter. Criteria: CeGaT Center For Human Genetics Tuebingen Variant Classification Criteria Version 2. Collection method: clinical testing. Allele origin: germline. Affected: yes. Observed: 25 variant alleles.
Comment: HERC1: BP4, BP7, BS2

Labcorp Genetics (formerly Invitae), Labcorp
Classification: Benign. Last evaluated: 2025-12-03. Review status: criteria provided, single submitter. Criteria: Invitae Variant Classification Sherloc (09022015). Collection method: clinical testing. Allele origin: germline.

GeneDx
Classification: Likely benign. Last evaluated: 2021-01-13. Review status: criteria provided, single submitter. Criteria: GeneDx Variant Classification Process June 2021. Collection method: clinical testing. Allele origin: germline. Affected: yes.

Breakthrough Genomics
Classification: Likely benign. Review status: criteria provided, single submitter. Criteria: ACMG Guidelines, 2015. Collection method: not provided. Allele origin: germline. Inheritance: Autosomal recessive inheritance. Affected: yes.

PreventionGenetics, part of Exact Sciences
Classification: Benign for HERC1-related condition. Last evaluated: 2019-07-31. Review status: no assertion criteria provided. Collection method: clinical testing. Allele origin: germline. Not counted in ClinVar's aggregate classification.
Comment: This variant is classified as benign based on ACMG/AMP sequence variant interpretation guidelines (Richards et al. 2015 PMID: 25741868, with internal and published modifications).

NM_003922.4(HERC1):c.13716C>T (p.Leu4572=)

Gene: HERC1 (HECT and RLD domain containing E3 ubiquitin protein ligase family member 1; minus strand). Cytogenetic location: 15q22.31.
Variant type: single nucleotide variant.
Coding change: c.13716C>T on transcript NM_003922.4 (MANE Select); coding-DNA position 13716, C replaced by T.
Protein change: p.Leu4572=; no amino-acid change (leucine 4572 retained).
Molecular consequence: synonymous variant.
Genome position (GRCh38, 1-based): chr15:63,616,655, G>A on the plus strand (C>T on the coding strand, the complement: HERC1 is on the minus strand). VCF-style: chr15-63616655-G-A. GRCh37 (hg19) VCF-style: chr15-63908854-G-A.
Identifiers: ClinVar variation 718457 (VCV000718457.36), dbSNP rs61751108, ClinGen allele CA7603662.